The following is an entry in ClinVar:

NM_000038.6(APC):c.2820G>A (p.Ser940=)

Gene: APC (APC regulator of Wnt signaling pathway; plus strand). Cytogenetic location: 5q22.2.
Variant type: single nucleotide variant.
Coding change: c.2820G>A on transcript NM_000038.6 (MANE Select); coding-DNA position 2820, G replaced by A.
Protein change: p.Ser940=; no amino-acid change (serine 940 retained).
Molecular consequence: synonymous variant.
Genome position (GRCh38, 1-based): chr5:112,838,414, G>A. VCF-style: chr5-112838414-G-A. GRCh37 (hg19) VCF-style: chr5-112174111-G-A.
Other names: c.2820G>A, p.Ser940= (NM_001127510.3, NM_001354895.2); c.2766G>A, p.Ser922= (NM_001127511.3); c.2874G>A, p.Ser958= (NM_001354896.2); c.2850G>A, p.Ser950= (NM_001354897.2); c.2745G>A, p.Ser915= (NM_001354898.2); c.2736G>A, p.Ser912= (NM_001354899.2); c.2697G>A, p.Ser899= (NM_001354900.2); c.2643G>A, p.Ser881= (NM_001354901.2); and 5 more.
Identifiers: ClinVar variation 469774 (VCV000469774.24), dbSNP rs780366551, ClinGen allele CA033599.

ClinVar aggregate classification (germline): Benign/Likely benign. Review status: criteria provided, multiple submitters, no conflicts (2 of 4 stars). 9 submissions from 9 submitters: Benign (3); Likely benign (6). Last evaluated 2026-01-25.

Conditions:
Hereditary cancer-predisposing syndrome. Also called: Hereditary neoplastic syndrome; Neoplastic Syndromes, Hereditary; Tumor predisposition; Hereditary Cancer Syndrome. Identifiers: Orphanet 140162, MedGen C0027672, MeSH D009386, MONDO:0015356.
Desmoid disease, hereditary (DESMD). Also called: FIBROMATOSIS, FAMILIAL INFILTRATIVE. Identifiers: Orphanet 873, MedGen C1851124, OMIM 135290. Disease mechanism: loss of function.
Familial adenomatous polyposis 1 (FAP1). Also called: POLYPOSIS, ADENOMATOUS INTESTINAL; FAMILIAL ADENOMATOUS POLYPOSIS 1, ATTENUATED. Identifiers: MedGen C2713442, MONDO:0021056, OMIM 175100. Disease mechanism: loss of function.
Classic or attenuated familial adenomatous polyposis. Identifiers: MedGen CN372698, MONDO:0021057.

Allele frequency attached by ClinVar (database versions not stated): gnomAD 0.00004 and 0.00005; gnomAD exomes 0.00004 and 0.00010; TOPMed 0.00004; ExAC 0.00010.
gnomAD v4.1: 67 of 1,613,964 alleles (0.0042%); highest among the groups gnomAD compares: South Asian, 0.046%; no homozygotes.

Submissions (9):

Labcorp Genetics (formerly Invitae), Labcorp
Classification: Likely benign for Familial adenomatous polyposis 1. Last evaluated: 2026-01-25. Review status: criteria provided, single submitter. Criteria: Invitae Variant Classification Sherloc (09022015). Collection method: clinical testing. Allele origin: germline.

Department of Pathology and Laboratory Medicine, Sinai Health System
Classification: Likely benign for Familial adenomatous polyposis 1; Desmoid disease, hereditary. Last evaluated: 2024-05-15. Review status: criteria provided, single submitter. Criteria: ACMG Guidelines, 2015. Collection method: clinical testing. Allele origin: germline. Affected: yes.

Myriad Genetics, Inc.
Classification: Benign for Familial adenomatous polyposis 1. Last evaluated: 2024-03-15. Review status: criteria provided, single submitter. Criteria: Myriad Autosomal Dominant, Autosomal Recessive and X-Linked Classification Criteria (2023). Collection method: clinical testing. Allele origin: unknown.
Comment: This variant is considered benign. This variant is a silent/synonymous amino acid change and it is not expected to impact splicing.

Women's Health and Genetics/Laboratory Corporation of America, LabCorp
Classification: Benign. Last evaluated: 2024-02-08. Review status: criteria provided, single submitter. Criteria: LabCorp Variant Classification Summary - May 2015. Collection method: clinical testing. Allele origin: germline.

All of Us Research Program, National Institutes of Health
Classification: Likely benign for Classic or attenuated familial adenomatous polyposis. Last evaluated: 2023-12-18. Review status: criteria provided, single submitter. Criteria: ACMG Guidelines, 2015. Collection method: clinical testing. Allele origin: germline. Inheritance: Autosomal dominant inheritance. Observed: 5 variant alleles, 5 heterozygotes.
Comment: This study involves interpretation of variants in research participants for the purpose of population health screening. Participant phenotype was not available at the time of variant classification. Additional details can be found in publication PMID: 35346344, PMCID: PMC8962531

Sema4
Classification: Benign for Hereditary cancer-predisposing syndrome. Last evaluated: 2021-10-12. Review status: criteria provided, single submitter. Criteria: Sema4 Curation Guidelines. Collection method: curation. Allele origin: germline.

GeneDx
Classification: Likely benign. Last evaluated: 2021-04-27. Review status: criteria provided, single submitter. Criteria: GeneDx Variant Classification Process June 2021. Collection method: clinical testing. Allele origin: germline. Affected: yes.

Ambry Genetics
Classification: Likely benign for Hereditary cancer-predisposing syndrome. Last evaluated: 2017-11-02. Review status: criteria provided, single submitter. Criteria: Ambry Variant Classification Scheme 2023. Collection method: clinical testing. Allele origin: germline.

Color Diagnostics, LLC DBA Color Health
Classification: Likely benign for Hereditary cancer-predisposing syndrome. Last evaluated: 2016-04-19. Review status: criteria provided, single submitter. Criteria: ACMG Guidelines, 2015. Collection method: clinical testing. Allele origin: germline.